The following is an entry in ClinVar:

NM_001184.4(ATR):c.6056A>G (p.Asn2019Ser)

Gene: ATR (ATR checkpoint kinase; minus strand). Cytogenetic location: 3q23.
Variant type: single nucleotide variant.
Coding change: c.6056A>G on transcript NM_001184.4 (MANE Select); coding-DNA position 6056, A replaced by G.
Protein change: p.Asn2019Ser; replaces asparagine 2019 with serine.
Molecular consequence: missense variant.
Genome position (GRCh38, 1-based): chr3:142,493,154, T>C on the plus strand (A>G on the coding strand, the complement: ATR is on the minus strand). VCF-style: chr3-142493154-T-C. GRCh37 (hg19) VCF-style: chr3-142211996-T-C.
Other names: c.5864A>G, p.Asn1955Ser (NM_001354579.2); short protein forms N2019S, N1955S.
Identifiers: ClinVar variation 1751296 (VCV001751296.2), dbSNP rs2108325789, ClinGen allele CA354811200.

ClinVar aggregate classification (germline): Uncertain significance (1 of 4 stars; one submission).

Conditions:
Inborn genetic diseases. Identifiers: MedGen C0950123, MeSH D030342.

Submission:

Ambry Genetics
Classification: Uncertain significance for Inborn genetic diseases. Last evaluated: 2021-07-18. Review status: criteria provided, single submitter. Criteria: Ambry Variant Classification Scheme 2023. Collection method: clinical testing. Allele origin: germline.
Comment: The p.N2019S variant (also known as c.6056A>G), located in coding exon 35 of the ATR gene, results from an A to G substitution at nucleotide position 6056. The asparagine at codon 2019 is replaced by serine, an amino acid with highly similar properties. This amino acid position is conserved. In addition, this alteration is predicted to be tolerated by in silico analysis. Since supporting evidence is limited at this time, the clinical significance of this alteration remains unclear.